The following is an entry in ClinVar:

NM_014806.5(RUSC2):c.3995del (p.Glu1332fs)

Gene: RUSC2 (RUN and SH3 domain containing 2; plus strand). Cytogenetic location: 9p13.3.
Variant type: Deletion.
Coding change: c.3995del on transcript NM_014806.5 (MANE Select); coding-DNA position 3995, one base deleted (A; older notation c.3995delA).
Protein change: p.Glu1332fs; shifts the reading frame from glutamic acid 1332.
Molecular consequence: frameshift variant. On other transcripts: non-coding transcript variant (1).
Genome position (GRCh38, 1-based): chr9:35,560,635, A deleted. VCF-style (leftmost placement, unchanged base first): chr9-35560634-GA-G. GRCh37 (hg19) VCF-style: chr9-35560631-GA-G.
Other names: c.3995del, p.Glu1332fs (NM_001135999.2); c.1361del, p.Glu454fs (NM_001330740.2); short protein forms E454fs, E1332fs.
Identifiers: ClinVar variation 1934377 (VCV001934377.5), dbSNP rs2490417765, ClinGen allele CA2579332194.

ClinVar aggregate classification (germline): Pathogenic (1 of 4 stars; one submission).

Submission:

Labcorp Genetics (formerly Invitae), Labcorp
Classification: Pathogenic. Last evaluated: 2022-10-21. Review status: criteria provided, single submitter. Criteria: Invitae Variant Classification Sherloc (09022015). Collection method: clinical testing. Allele origin: germline.
Comment: This sequence change creates a premature translational stop signal (p.Glu1332Glyfs*25) in the RUSC2 gene. It is expected to result in an absent or disrupted protein product. Loss-of-function variants in RUSC2 are known to be pathogenic (PMID: 27612186). This variant is not present in population databases (gnomAD no frequency). This variant has not been reported in the literature in individuals affected with RUSC2-related conditions. For these reasons, this variant has been classified as Pathogenic.

Literature cited by the submitters: PubMed 27612186.